The following is an entry in ClinVar:

NM_004281.4(BAG3):c.1130G>T (p.Ser377Ile)

Gene: BAG3 (BAG cochaperone 3; plus strand). Cytogenetic location: 10q26.11.
Variant type: single nucleotide variant.
Coding change: c.1130G>T on transcript NM_004281.4 (MANE Select); coding-DNA position 1130, G replaced by T.
Protein change: p.Ser377Ile; replaces serine 377 with isoleucine.
Molecular consequence: missense variant.
Genome position (GRCh38, 1-based): chr10:119,676,684, G>T. VCF-style: chr10-119676684-G-T. GRCh37 (hg19) VCF-style: chr10-121436196-G-T.
Other names: short protein forms S377I.
Identifiers: ClinVar variation 4794930 (VCV004794930.1).

ClinVar aggregate classification (germline): Uncertain significance (1 of 4 stars; one submission).

Conditions:
Myofibrillar myopathy 6. Identifiers: Orphanet 199340, MedGen C2751831, MONDO:0013061, OMIM 612954.
Dilated cardiomyopathy 1HH (CMD1HH). Identifiers: Orphanet 154, MedGen C3151293, MONDO:0013479, OMIM 613881.

Submission:

Labcorp Genetics (formerly Invitae), Labcorp
Classification: Uncertain significance for Dilated cardiomyopathy 1HH; Myofibrillar myopathy 6. Last evaluated: 2025-10-08. Review status: criteria provided, single submitter. Criteria: Invitae Variant Classification Sherloc (09022015). Collection method: clinical testing. Allele origin: germline.
Comment: This sequence change replaces serine, which is neutral and polar, with isoleucine, which is neutral and non-polar, at codon 377 of the BAG3 protein (p.Ser377Ile). This variant is not present in population databases (gnomAD no frequency). This variant has not been reported in the literature in individuals affected with BAG3-related conditions. Invitae Evidence Modeling of protein sequence and biophysical properties (such as structural, functional, and spatial information, amino acid conservation, physicochemical variation, residue mobility, and thermodynamic stability) indicates that this missense variant is not expected to disrupt BAG3 protein function with a negative predictive value of 80%. In summary, the available evidence is currently insufficient to determine the role of this variant in disease. Therefore, it has been classified as a Variant of Uncertain Significance.